The following is an entry in ClinVar:

ClinVar aggregate classification (germline): Benign/Likely benign. Review status: criteria provided, multiple submitters, no conflicts (2 of 4 stars). 7 submissions from 7 submitters: Benign (1); Likely benign (3). 3 of the submissions do not count toward it. Last evaluated 2026-06-01.

Conditions:
Short stature due to growth hormone secretagogue receptor deficiency (GHDP). Also called: Short stature due to GHSR deficiency. Identifiers: Orphanet 314811, MedGen C5887324, MONDO:0014403, OMIM 615925.

Allele frequency attached by ClinVar (database versions not stated): 1000 Genomes Project 0.00080; 1000 Genomes Project 30x 0.00094; TOPMed 0.00260; ESP Exome Variant Server 0.00269; gnomAD 0.00318 and 0.00334.
gnomAD v4.1: 6,872 of 1,613,452 alleles (0.43%); highest among the groups gnomAD compares: Non-Finnish European, 0.52%; 27 homozygotes.

Submissions (7):

CeGaT Center for Human Genetics Tuebingen
Classification: Likely benign. Last evaluated: 2026-06-01. Review status: criteria provided, single submitter. Criteria: CeGaT Center For Human Genetics Tuebingen Variant Classification Criteria Version 2. Collection method: clinical testing. Allele origin: germline. Affected: yes. Observed: 2 variant alleles.
Comment: GHSR: BP4, BP7, BS2

Labcorp Genetics (formerly Invitae), Labcorp
Classification: Benign. Last evaluated: 2026-01-26. Review status: criteria provided, single submitter. Criteria: Invitae Variant Classification Sherloc (09022015). Collection method: clinical testing. Allele origin: germline.

Illumina Laboratory Services, Illumina
Classification: Likely benign for Short stature due to growth hormone secretagogue receptor deficiency. Last evaluated: 2018-01-12. Review status: criteria provided, single submitter. Criteria: ICSL Variant Classification Criteria 13 December 2019. Collection method: clinical testing. Allele origin: germline.
Comment: This variant was observed in the ICSL laboratory as part of a predisposition screen in an ostensibly healthy population. It had not been previously curated by ICSL or reported in the Human Gene Mutation Database (HGMD: prior to June 1st, 2018), and was therefore a candidate for classification through an automated scoring system. Utilizing variant allele frequency, disease prevalence and penetrance estimates, and inheritance mode, an automated score was calculated to assess if this variant is too frequent to cause the disease. Based on the score and internal cut-off values, a variant classified as likely benign is not then subjected to further curation. The score for this variant resulted in a classification of likely benign for this disease.

Breakthrough Genomics
Classification: Likely benign. Review status: criteria provided, single submitter. Criteria: ACMG Guidelines, 2015. Collection method: not provided. Allele origin: germline. Inheritance: Autosomal dominant inheritance. Affected: yes.

Clinical Genetics DNA and cytogenetics Diagnostics Lab, Erasmus MC, Erasmus Medical Center
Classification: Likely benign. Review status: no assertion criteria provided. Collection method: clinical testing. Allele origin: germline. Affected: yes. Study: VKGL Data-share Consensus. Not counted in ClinVar's aggregate classification.

Department of Pathology and Laboratory Medicine, Sinai Health System
Classification: Uncertain significance. Review status: no assertion criteria provided. Collection method: clinical testing. Allele origin: unknown. Affected: yes. Study: The Canadian Open Genetics Repository (COGR). Not counted in ClinVar's aggregate classification.
Comment: The GHSR p.Pro177Pro variant was identified in dbSNP (ID: rs4988509) but was not identified in ClinVar, Cosmic or LOVD 3.0. The p.Pro177Pro synonymous substitution was identified in a cohort of 15,854 Danes in a study aiming to identify associations between GHSR variants and obesity, however this variant was not further analyzed (Gjesing_2010_PMID: 20404923). The variant was also reported in a case-control study of height but was not analyzed (Gueorguiev_2009_PMID: 18945286). The variant was identified in control databases in 979 of 281750 chromosomes (4 homozygous) at a frequency of 0.003475 increasing the likelihood this could be a low frequency benign variant (Genome Aggregation Database Feb 27, 2017). The variant was observed in the following populations: European (non-Finnish) in 772 of 128364 chromosomes (freq: 0.006014), European (Finnish) in 122 of 25046 chromosomes (freq: 0.004871), Other in 22 of 7198 chromosomes (freq: 0.003056), African in 20 of 24852 chromosomes (freq: 0.000805), Latino in 22 of 35410 chromosomes (freq: 0.000621), South Asian in 17 of 30598 chromosomes (freq: 0.000556) and Ashkenazi Jewish in 4 of 10340 chromosomes (freq: 0.000387); it was not observed in the East Asian population. The p.Pro177Pro variant is not expected to have clinical significance because it does not result in a change of amino acid and is not located in a known consensus splice site, however 3 of 4 in silico or computational prediction software programs (SpliceSiteFinder, NNSPLICE, GeneSplicer) predict a greater than 10% difference in splicing. However, this information is not predictive enough to assume pathogenicity. In summary, based on the above information the clinical significance of this variant cannot be determined with certainty at this time. This variant is classified as a variant of uncertain significance.

Laboratory of Diagnostic Genome Analysis, Leiden University Medical Center (LUMC)
Classification: Likely benign. Review status: no assertion criteria provided. Collection method: clinical testing. Allele origin: germline. Affected: yes. Study: VKGL Data-share Consensus. Not counted in ClinVar's aggregate classification.

NM_198407.2(GHSR):c.531C>A (p.Pro177=)

Gene: GHSR (growth hormone secretagogue receptor; minus strand). Cytogenetic location: 3q26.31.
Variant type: single nucleotide variant.
Coding change: c.531C>A on transcript NM_198407.2 (MANE Select); coding-DNA position 531, C replaced by A.
Protein change: p.Pro177=; no amino-acid change (proline 177 retained).
Molecular consequence: synonymous variant.
Genome position (GRCh38, 1-based): chr3:172,447,883, G>T on the plus strand (C>A on the coding strand, the complement: GHSR is on the minus strand). VCF-style: chr3-172447883-G-T. GRCh37 (hg19) VCF-style: chr3-172165673-G-T.
Other names: c.531C>A, p.Pro177= (NM_004122.2).
Identifiers: ClinVar variation 698005 (VCV000698005.36), dbSNP rs4988509, ClinGen allele CA2706450.